The following is an entry in ClinVar:

ClinVar aggregate classification (germline): Likely pathogenic (1 of 4 stars; one submission).

Conditions:
Tibial muscular dystrophy (TMD). Also called: UDD MYOPATHY; Udd Distal Myopathy – Tibial Muscular Dystrophy; Tibial muscular dystrophy, tardive. Identifiers: Orphanet 609, MedGen C1838244, MONDO:0010870, OMIM 600334.

Submission:

Centre for Mendelian Genomics, University Medical Centre Ljubljana
Classification: Likely pathogenic for Tibial muscular dystrophy. Last evaluated: 2019-03-27. Review status: criteria provided, single submitter. Criteria: ACMG Guidelines, 2015. Collection method: clinical testing. Allele origin: unknown. Affected: yes.
Comment: This variant was classified as: Likely pathogenic. The following ACMG criteria were applied in classifying this variant: PVS1-S,PM2.

NM_001267550.2(TTN):c.58368dup (p.Tyr19457fs)

Genes: TTN (titin; minus strand), TTN-AS1 (TTN antisense RNA 1; plus strand). Cytogenetic location: 2q31.2.
Variant type: Duplication.
Coding change: c.58368dup on transcript NM_001267550.2 (MANE Select); coding-DNA position 58368, one base duplicated (A; older notation c.58368dupA).
Protein change: p.Tyr19457fs; shifts the reading frame from tyrosine 19457.
Molecular consequence: frameshift variant.
Genome position (GRCh38, 1-based): chr2:178,594,025, T duplicated on the plus strand (A on the coding strand, the reverse complement: TTN is on the minus strand); the first of 3 consecutive T bases (chr2:178,594,025-178,594,027); duplicating any one gives the same sequence. VCF-style (leftmost placement, unchanged base first): chr2-178594024-A-AT. GRCh37 (hg19) VCF-style: chr2-179458751-A-AT.
Other names: c.53445dup, p.Tyr17816fs (NM_001256850.1); c.31173dup, p.Tyr10392fs (NM_003319.4); c.50664dup, p.Tyr16889fs (NM_133378.4); c.31548dup, p.Tyr10517fs (NM_133432.3); c.31749dup, p.Tyr10584fs (NM_133437.4); c.58368dupA (NM_001267550.2); short protein forms Y16889fs, Y10392fs, Y10517fs, Y10584fs, Y17816fs, Y19457fs.
Identifiers: ClinVar variation 931526 (VCV000931526.3), dbSNP rs2050860445, ClinGen allele CA1139655715.